The following is an entry in ClinVar:

NM_001377275.1(PER3):c.872+8C>G

Gene: PER3 (period circadian regulator 3; plus strand). Cytogenetic location: 1p36.23.
Variant type: single nucleotide variant.
Coding change: c.872+8C>G on transcript NM_001377275.1 (MANE Select); 8 bases into the intron after coding-DNA position 872, C replaced by G.
Molecular consequence: intron variant.
Genome position (GRCh38, 1-based): chr1:7,801,199, C>G. VCF-style: chr1-7801199-C-G. GRCh37 (hg19) VCF-style: chr1-7861259-C-G.
Other names: c.872+8C>G (NM_001289861.2, NM_001289863.3, NM_001438701.1 and 7 more transcripts); c.-86+8C>G (NM_001289864.3); c.869+8C>G (NM_016831.4, NM_001438696.1, NM_001438705.1 and 2 more transcripts).
Identifiers: ClinVar variation 4821956 (VCV004821956.4).
Genomic context (GRCh38, chr1:7,801,199, plus strand): 5'-ATCTTCACCACCACACACACCCCAGGGTGTGTTTTTCTTGAAGTAGATGAAAAGTAAGTA[C>G]TTCTTTAAGCCTAAAAGAAATTTGTTTCTGAAAATAAATATAAATGTGAAGAAGATTACA-3'

ClinVar aggregate classification (germline): Likely benign (1 of 4 stars; one submission).

gnomAD v4.1: 1 of 1,459,312 alleles (0.000069%); highest among the groups gnomAD compares: Non-Finnish European, 0.000095%; no homozygotes.

Submission:

CeGaT Center for Human Genetics Tuebingen
Classification: Likely benign. Last evaluated: 2026-03-01. Review status: criteria provided, single submitter. Criteria: CeGaT Center For Human Genetics Tuebingen Variant Classification Criteria Version 2. Collection method: clinical testing. Allele origin: germline. Affected: yes. Observed: 1 variant allele.
Comment: PER3: BP4